The following is an entry in ClinVar:

NM_007294.4(BRCA1):c.114G>C (p.Lys38Asn)

Gene: BRCA1 (BRCA1 DNA repair associated; minus strand). Cytogenetic location: 17q21.31.
Variant type: single nucleotide variant.
Coding change: c.114G>C on transcript NM_007294.4 (MANE Select); coding-DNA position 114, G replaced by C.
Protein change: p.Lys38Asn; replaces lysine 38 with asparagine.
Molecular consequence: missense variant. On other transcripts: non-coding transcript variant (1), intron variant (1).
Genome position (GRCh38, 1-based): chr17:43,115,746, C>G on the plus strand (G>C on the coding strand, the complement: BRCA1 is on the minus strand). VCF-style: chr17-43115746-C-G. GRCh37 (hg19) VCF-style: chr17-41267763-C-G.
Other names: c.-75G>C (NM_001407571.1, NM_001407853.1, NM_001407879.1 and 52 more transcripts); c.114G>C, p.Lys38Asn (NM_001407581.1, NM_001407582.1, NM_001407583.1 and 192 more transcripts); c.-144G>C (NM_001407694.1, NM_001407696.1, NM_001407724.1 and 13 more transcripts); c.-148G>C (NM_001407695.1, NM_001408465.1); c.-28G>C (NM_001407697.1, NM_001407725.1, NM_001407728.1 and 47 more transcripts); c.-24G>C (NM_001407841.1); c.-191G>C (NM_001407889.1, NM_001407900.1, NM_001408492.1); c.-190G>C (NM_001407960.1, NM_001407962.1, NM_001408510.1 and 1 more transcripts); and 2 more; short protein forms K38N.
Identifiers: ClinVar variation 867498 (VCV000867498.3), dbSNP rs1800062, ClinGen allele CA10601928.
Genomic context (GRCh38, chr17:43,115,746, plus strand): 5'-AAAAGCTAATAATGGAGCCACATAACACATTCAAACTTACTTGCAAAATATGTGGTCACA[C>G]TTTGTGGAGACAGGTTCCTTGATCAACTCCAGACTAGCAGGGTAGGGGGGGAGAAAAAGA-3'
Protein context (NP_009225.1, residues 28-48): LELIKEPVST[Lys38Asn]CDHIFCKFCM

Conditions:
Breast-ovarian cancer, familial, susceptibility to, 1 (BROVCA1). Also called: BRCA1 Hereditary Breast and Ovarian Cancer; OVARIAN CANCER, SUSCEPTIBILITY TO. Identifiers: Orphanet 145, MedGen C2676676, MONDO:0011450, OMIM 604370. Disease mechanism: loss of function.

Submission:

Brotman Baty Institute, University of Washington
No classification provided (evidence only). Condition: Breast-ovarian cancer, familial 1. Review status: no classification provided. Collection method: in vitro. Allele origin: not applicable. Functional consequence: functionally_normal.
ClinVar note: "not provided" was previously submitted as the classification for the variant. However, the classification appeared to be based only on an observation of functional data so it was converted to no classification on 2025-07-30.